The following is an entry in ClinVar:

ClinVar aggregate classification (germline): Uncertain significance (1 of 4 stars; one submission).

Submission:

Labcorp Genetics (formerly Invitae), Labcorp
Classification: Uncertain significance. Last evaluated: 2024-12-26. Review status: criteria provided, single submitter. Criteria: Invitae Variant Classification Sherloc (09022015). Collection method: clinical testing. Allele origin: germline.
Comment: This sequence change falls in intron 48 of the POLE gene. It does not directly change the encoded amino acid sequence of the POLE protein. This variant is not present in population databases (gnomAD no frequency). This variant has not been reported in the literature in individuals affected with POLE-related conditions. Algorithms developed to predict the effect of sequence changes on RNA splicing suggest that this variant may create or strengthen a splice site. In summary, the available evidence is currently insufficient to determine the role of this variant in disease. Therefore, it has been classified as a Variant of Uncertain Significance.

NM_006231.4(POLE):c.6748-15T>A

Gene: POLE (DNA polymerase epsilon, catalytic subunit; minus strand). Cytogenetic location: 12q24.33.
Variant type: single nucleotide variant.
Coding change: c.6748-15T>A on transcript NM_006231.4 (MANE Select); 15 bases into the intron before coding-DNA position 6748, T replaced by A.
Molecular consequence: intron variant.
Genome position (GRCh38, 1-based): chr12:132,624,825, A>T on the plus strand (T>A on the coding strand, the complement: POLE is on the minus strand). VCF-style: chr12-132624825-A-T. GRCh37 (hg19) VCF-style: chr12-133201411-A-T.
Identifiers: ClinVar variation 3645229 (VCV003645229.2).